The following is an entry in ClinVar:

NM_001202.6(BMP4):c.512G>A (p.Trp171Ter)

Gene: BMP4 (bone morphogenetic protein 4; minus strand). Cytogenetic location: 14q22.2.
Variant type: single nucleotide variant.
Coding change: c.512G>A on transcript NM_001202.6 (MANE Select); coding-DNA position 512, G replaced by A.
Protein change: p.Trp171Ter; replaces tryptophan 171 with a stop codon.
Molecular consequence: nonsense.
Genome position (GRCh38, 1-based): chr14:53,950,747, C>T on the plus strand (G>A on the coding strand, the complement: BMP4 is on the minus strand). VCF-style: chr14-53950747-C-T. GRCh37 (hg19) VCF-style: chr14-54417465-C-T.
Other names: c.653G>A, p.Trp218Ter (NM_001347912.1); c.323G>A, p.Trp108Ter (NM_001347913.2, NM_001347915.2, NM_001347917.1); c.512G>A, p.Trp171Ter (NM_001347914.2, NM_001347916.1, NM_130850.5 and 1 more transcripts); short protein forms W171*, W218*, W108*.
Identifiers: ClinVar variation 424492 (VCV000424492.4), dbSNP rs1064796998, ClinGen allele CA16619873.
Genomic context (GRCh38, chr14:53,950,747, plus strand): 5'-ACCACTTCTGCTGGGGGCTTCATAACCTCATAAATGTTTATACGGTGGAAGCCCCTTTCC[C>T]AATCAGGGCCCTGGTCCACCTGCTCCCGGAAGAGCCGAAGCTCTGCAGAGGAGATCACCT-3'

ClinVar aggregate classification (germline): Conflicting classifications of pathogenicity. Review status: criteria provided, conflicting classifications (1 of 4 stars). 3 submissions from 3 submitters: Likely pathogenic (1); Uncertain significance (1). 1 of the submissions does not count toward it. Last evaluated 2024-06-14.

Conditions:
Microphthalmia with brain and digit anomalies (MCOPS6). Also called: Microphthalmia, syndromic 6; MICROPHTHALMIA AND PITUITARY ANOMALIES. Identifiers: Orphanet 139471, MedGen C1864689, MONDO:0011936, OMIM 607932.
Orofacial cleft 11 (OFC11). Also called: Orofacial cleft 11; ofc11; CLEFT LIP WITH OR WITHOUT CLEFT PALATE, NONSYNDROMIC, 11. Identifiers: MedGen C2677434, MONDO:0010906, OMIM 600625.

Submissions (3):

Fulgent Genetics
Classification: Likely pathogenic for Orofacial cleft 11; Microphthalmia with brain and digit anomalies. Last evaluated: 2024-06-14. Review status: criteria provided, single submitter. Criteria: ACMG Guidelines, 2015. Collection method: clinical testing. Allele origin: germline.

GeneDx
Classification: Uncertain significance. Last evaluated: 2017-03-27. Review status: criteria provided, single submitter. Criteria: GeneDx Variant Classification (06012015). Collection method: clinical testing. Allele origin: germline. Affected: yes.
Comment: The W171X variant in the BMP4 gene has not been reported previously as a pathogenic variant nor as a benign variant, to our knowledge. This variant is predicted to cause loss of normal protein function through protein truncation. The W171X variant is not observed in large population cohorts (Lek et al., 2016; 1000 Genomes Consortium et al., 2015; Exome Variant Server). We interpret W171X as a variant of uncertain significance.

Gharavi Laboratory, Columbia University
Classification: Uncertain significance. Last evaluated: 2018-09-16. Review status: no assertion criteria provided. Criteria: ACMG Guidelines, 2015. Collection method: research. Allele origin: germline. Affected: no. Not counted in ClinVar's aggregate classification.